The following is an entry in ClinVar:

ClinVar aggregate classification (germline): Uncertain significance. Review status: criteria provided, multiple submitters, no conflicts (2 of 4 stars). 3 submissions from 3 submitters: Uncertain significance (3). Last evaluated 2025-07-07.

Conditions:
Hereditary cancer-predisposing syndrome. Also called: Tumor predisposition; Hereditary neoplastic syndrome; Hereditary Cancer Syndrome; Neoplastic Syndromes, Hereditary. Identifiers: Orphanet 140162, MedGen C0027672, MeSH D009386, MONDO:0015356.
Rhabdoid tumor predisposition syndrome 2 (RTPS2). Identifiers: Orphanet 231108, Orphanet 69077, MedGen C2750074, MONDO:0013224, OMIM 613325.

Allele frequency attached by ClinVar (database versions not stated): gnomAD 0.00001.
gnomAD v4.1: 1 of 1,613,890 alleles (0.000062%); highest among the groups gnomAD compares: African/African-American, 0.0013%; no homozygotes.

Submissions (3):

Labcorp Genetics (formerly Invitae), Labcorp
Classification: Uncertain significance for Rhabdoid tumor predisposition syndrome 2. Last evaluated: 2025-07-07. Review status: criteria provided, single submitter. Criteria: Invitae Variant Classification Sherloc (09022015). Collection method: clinical testing. Allele origin: germline.
Comment: This sequence change replaces alanine, which is neutral and non-polar, with valine, which is neutral and non-polar, at codon 747 of the SMARCA4 protein (p.Ala747Val). This variant is not present in population databases (gnomAD no frequency). This variant has not been reported in the literature in individuals affected with SMARCA4-related conditions. ClinVar contains an entry for this variant (Variation ID: 937329). Invitae Evidence Modeling of protein sequence and biophysical properties (such as structural, functional, and spatial information, amino acid conservation, physicochemical variation, residue mobility, and thermodynamic stability) indicates that this missense variant is not expected to disrupt SMARCA4 protein function with a negative predictive value of 95%. In summary, the available evidence is currently insufficient to determine the role of this variant in disease. Therefore, it has been classified as a Variant of Uncertain Significance.

Ambry Genetics
Classification: Uncertain significance for Hereditary cancer-predisposing syndrome. Last evaluated: 2025-06-06. Review status: criteria provided, single submitter. Criteria: Ambry Variant Classification Scheme 2023. Collection method: clinical testing. Allele origin: germline.
Comment: The p.A747V variant (also known as c.2240C>T), located in coding exon 14 of the SMARCA4 gene, results from a C to T substitution at nucleotide position 2240. The alanine at codon 747 is replaced by valine, an amino acid with similar properties. This amino acid position is poorly conserved in available vertebrate species. In addition, this alteration is predicted to be tolerated by in silico analysis. Since supporting evidence is limited at this time, the clinical significance of this alteration remains unclear.

GeneDx
Classification: Uncertain significance. Last evaluated: 2023-04-26. Review status: criteria provided, single submitter. Criteria: GeneDx Variant Classification Process June 2021. Collection method: clinical testing. Allele origin: germline. Affected: yes.
Comment: Not observed at significant frequency in large population cohorts (gnomAD); In silico analysis supports that this missense variant does not alter protein structure/function; Has not been previously published as pathogenic or benign to our knowledge

NM_003072.5(SMARCA4):c.2240C>T (p.Ala747Val)

Gene: SMARCA4 (SWI/SNF related BAF chromatin remodeling complex subunit ATPase 4; plus strand). Cytogenetic location: 19p13.2.
Variant type: single nucleotide variant.
Coding change: c.2240C>T on transcript NM_003072.5 (MANE Select); coding-DNA position 2240, C replaced by T.
Protein change: p.Ala747Val; replaces alanine 747 with valine.
Molecular consequence: missense variant. On other transcripts: non-coding transcript variant (1).
Genome position (GRCh38, 1-based): chr19:11,010,497, C>T. VCF-style: chr19-11010497-C-T. GRCh37 (hg19) VCF-style: chr19-11121173-C-T.
Other names: c.2240C>T, p.Ala747Val (NM_001128844.3, NM_001128845.2, NM_001128846.2 and 4 more transcripts); short protein forms A747V.
Identifiers: ClinVar variation 937329 (VCV000937329.14), dbSNP rs2088720436, ClinGen allele CA404052906.